The following is an entry in ClinVar:

NM_001036.6(RYR3):c.160T>G (p.Ser54Ala)

Gene: RYR3 (ryanodine receptor 3; plus strand). Cytogenetic location: 15q14.
Variant type: single nucleotide variant.
Coding change: c.160T>G on transcript NM_001036.6 (MANE Select); coding-DNA position 160, T replaced by G.
Protein change: p.Ser54Ala; replaces serine 54 with alanine.
Molecular consequence: missense variant.
Genome position (GRCh38, 1-based): chr15:33,473,527, T>G. VCF-style: chr15-33473527-T-G. GRCh37 (hg19) VCF-style: chr15-33765728-T-G.
Other names: c.160T>G, p.Ser54Ala (NM_001243996.4); c.160T>G (NM_001036.3); short protein forms S54A.
Identifiers: ClinVar variation 566963 (VCV000566963.10), dbSNP rs771903948, ClinGen allele CA7457704.

ClinVar aggregate classification (germline): Uncertain significance. Review status: criteria provided, multiple submitters, no conflicts (2 of 4 stars). 2 submissions from 2 submitters: Uncertain significance (2). Last evaluated 2024-12-21.

Conditions:
Epileptic encephalopathy. Identifiers: MedGen C0543888, HP:0200134.

Allele frequency attached by ClinVar (database versions not stated): ExAC 0.00001; gnomAD 0.00001; gnomAD exomes 0.00001; TOPMed 0.00001.
gnomAD v4.1: 9 of 1,613,888 alleles (0.00056%); highest among the groups gnomAD compares: Non-Finnish European, 0.00076%; no homozygotes.

Submissions (2):

Ambry Genetics
Classification: Uncertain significance. Last evaluated: 2024-12-21. Review status: criteria provided, single submitter. Criteria: Ambry Variant Classification Scheme 2023. Collection method: clinical testing. Allele origin: germline.

Labcorp Genetics (formerly Invitae), Labcorp
Classification: Uncertain significance for Epileptic encephalopathy. Last evaluated: 2020-03-18. Review status: criteria provided, single submitter. Criteria: Invitae Variant Classification Sherloc (09022015). Collection method: clinical testing. Allele origin: germline.
Comment: In summary, the available evidence is currently insufficient to determine the role of this variant in disease. Therefore, it has been classified as a Variant of Uncertain Significance. Algorithms developed to predict the effect of missense changes on protein structure and function do not agree on the potential impact of this missense change (SIFT: "Deleterious"; PolyPhen-2: "Benign"; Align-GVGD: "Class C0"). This variant has not been reported in the literature in individuals with RYR3-related disease. This variant is present in population databases (rs771903948, ExAC 0.002%). This sequence change replaces serine with alanine at codon 54 of the RYR3 protein (p.Ser54Ala). The serine residue is moderately conserved and there is a moderate physicochemical difference between serine and alanine.